The following is an entry in ClinVar:

ClinVar aggregate classification (germline): Likely pathogenic (0 of 4 stars; one submission).

Conditions:
DNAH1-related disorder. Also called: DNAH1-related condition.

Submission:

PreventionGenetics, part of Exact Sciences
Classification: Likely pathogenic for DNAH1-related condition. Last evaluated: 2024-04-12. Review status: no assertion criteria provided. Collection method: clinical testing. Allele origin: germline.
Comment: The DNAH1 c.7345_7348delGGCA variant is predicted to result in a frameshift and premature protein termination (p.Gly2449Cysfs*32). To our knowledge, this variant has not been reported in the literature or in a large population database, indicating this variant is rare. Frameshift variants in DNAH1 are expected to be pathogenic. This variant is interpreted as likely pathogenic.

NM_015512.5(DNAH1):c.7345_7348del (p.Gly2449fs)

Gene: DNAH1 (dynein axonemal heavy chain 1; plus strand). Cytogenetic location: 3p21.1.
Variant type: Deletion.
Coding change: c.7345_7348del on transcript NM_015512.5 (MANE Select); coding-DNA positions 7345 to 7348, 4 bases deleted (GGCA; older notation c.7345_7348delGGCA).
Protein change: p.Gly2449fs; shifts the reading frame from glycine 2449.
Molecular consequence: frameshift variant.
Genome position (GRCh38, 1-based): chr3:52,378,748-52,378,751, GGCA deleted; deleting any 4 consecutive bases within chr3:52,378,747-52,378,751 gives the same sequence; the c. name uses the placement nearest the transcript's 3' end. VCF-style (leftmost placement, unchanged base first): chr3-52378746-AAGGC-A. GRCh37 (hg19) VCF-style: chr3-52412762-AAGGC-A.
Other names: short protein forms G2449fs.
Identifiers: ClinVar variation 3345468 (VCV003345468.1).
Genomic context (GRCh38, chr3:52,378,746, plus strand): 5'-TGCCCACTCCAGCCAAGTCCCACTACACCTTCAACCTGAGGGACCTCTCCAAGGTCTTCC[AAGGC>A]ATGCTCATGGCTGACCCGGCCAAGGTCGAGGTGAGGACCAGGCAGGCACCCTCCCCAGTG-3'